The following is an entry in ClinVar:

ClinVar aggregate classification (germline): Uncertain significance (1 of 4 stars; one submission).

Allele frequency attached by ClinVar (database versions not stated): TOPMed below 0.00001; gnomAD 0.00001.
gnomAD v4.1: 1 of 1,613,592 alleles (0.000062%); highest among the groups gnomAD compares: Non-Finnish European, 0.000085%; no homozygotes.

Submission:

Labcorp Genetics (formerly Invitae), Labcorp
Classification: Uncertain significance. Last evaluated: 2021-02-02. Review status: criteria provided, single submitter. Criteria: Invitae Variant Classification Sherloc (09022015). Collection method: clinical testing. Allele origin: germline.
Comment: This variant is not present in population databases (ExAC no frequency). This variant has not been reported in the literature in individuals with ECHS1-related conditions. This sequence change replaces isoleucine with valine at codon 151 of the ECHS1 protein (p.Ile151Val). The isoleucine residue is highly conserved and there is a small physicochemical difference between isoleucine and valine. In summary, the available evidence is currently insufficient to determine the role of this variant in disease. Therefore, it has been classified as a Variant of Uncertain Significance. Advanced modeling of protein sequence and biophysical properties (such as structural, functional, and spatial information, amino acid conservation, physicochemical variation, residue mobility, and thermodynamic stability) performed at Invitae indicates that this missense variant is expected to disrupt ECHS1 protein function.

NM_004092.4(ECHS1):c.451A>G (p.Ile151Val)

Gene: ECHS1 (enoyl-CoA hydratase, short chain 1; minus strand). Cytogenetic location: 10q26.3.
Variant type: single nucleotide variant.
Coding change: c.451A>G on transcript NM_004092.4 (MANE Select); coding-DNA position 451, A replaced by G.
Protein change: p.Ile151Val; replaces isoleucine 151 with valine.
Molecular consequence: missense variant.
Genome position (GRCh38, 1-based): chr10:133,368,986, T>C on the plus strand (A>G on the coding strand, the complement: ECHS1 is on the minus strand). VCF-style: chr10-133368986-T-C. GRCh37 (hg19) VCF-style: chr10-135182490-T-C.
Other names: short protein forms I151V.
Identifiers: ClinVar variation 1369183 (VCV001369183.8), dbSNP rs1181924230, ClinGen allele CA378820734.